The following is an entry in ClinVar:

NM_014832.5(TBC1D4):c.1611T>G (p.Ser537=)

Gene: TBC1D4 (TBC1 domain family member 4; minus strand). Cytogenetic location: 13q22.2.
Variant type: single nucleotide variant.
Coding change: c.1611T>G on transcript NM_014832.5 (MANE Select); coding-DNA position 1611, T replaced by G.
Protein change: p.Ser537=; no amino-acid change (serine 537 retained).
Molecular consequence: synonymous variant.
Genome position (GRCh38, 1-based): chr13:75,341,125, A>C on the plus strand (T>G on the coding strand, the complement: TBC1D4 is on the minus strand). VCF-style: chr13-75341125-A-C. GRCh37 (hg19) VCF-style: chr13-75915261-A-C.
Other names: c.1611T>G, p.Ser537= (NM_001286658.2, NM_001286659.2).
Identifiers: ClinVar variation 130545 (VCV000130545.7), dbSNP rs9565152, ClinGen allele CA214708.
Genomic context (GRCh38, chr13:75,341,125, plus strand): 5'-AGAATTAACAAAATTATTAAACAACAACAAAAGTAGGTGAAGTAGGAAATATCTTCTCAC[A>C]GAAGGGCCTTCCCCGATGTGCACGTGTGTCTTCTGCTTGGCTTCACACAGCTGCCTCAGG-3'
Protein context (NP_055647.2, residues 527-547): KTHVHIGEGP[Ser537=]TISNSTIPEN

ClinVar aggregate classification (germline): Benign. Review status: criteria provided, single submitter (1 of 4 stars). 2 submissions from 2 submitters: Benign (1). 1 of the submissions does not count toward it.

Allele frequency attached by ClinVar (database versions not stated): ESP Exome Variant Server 0.04595; gnomAD 0.06392 and 0.06571; TOPMed 0.07481; 1000 Genomes Project 0.09784; 1000 Genomes Project 30x 0.09822.
gnomAD v4.1: 67,562 of 1,612,562 alleles (4.2%); highest among the groups gnomAD compares: Admixed American, 17%; 2,805 homozygotes.

Submissions (2):

Breakthrough Genomics
Classification: Benign. Review status: criteria provided, single submitter. Criteria: ACMG Guidelines, 2015. Collection method: not provided. Allele origin: germline. Inheritance: Unknown mechanism. Affected: yes.

Genetic Services Laboratory, University of Chicago
Classification: Likely benign for AllHighlyPenetrant. Review status: no assertion criteria provided. Collection method: clinical testing. Allele origin: germline. Inheritance: Autosomal dominant inheritance. Not counted in ClinVar's aggregate classification.
Comment: Likely benign based on allele frequency in 1000 Genomes Project or ESP global frequency and its presence in a patient with a rare or unrelated disease phenotype. NOT Sanger confirmed.